The following is an entry in ClinVar:

ClinVar aggregate classification (germline): Uncertain significance (1 of 4 stars; one submission).

Conditions:
Autoimmune enteropathy and endocrinopathy - susceptibility to chronic infections syndrome. Also called: Immunodeficiency 31C; Immunodeficiency 31C, autosomal dominant. Identifiers: Orphanet 391487, MedGen C3279990, MONDO:0013599, OMIM 614162.

Submission:

3billion
Classification: Uncertain significance for Autoimmune enteropathy and endocrinopathy - susceptibility to chronic infections syndrome. Last evaluated: 2022-05-22. Review status: criteria provided, single submitter. Criteria: ACMG Guidelines, 2015. Collection method: clinical testing. Allele origin: germline. Affected: yes. Observed: 1 heterozygote.
Comment: The variant is not observed in the gnomAD v2.1.1 dataset. Inframe deletion located in a nonrepeat region: predicted to change the length of the protein and disrupt normal protein function. Therefore, this variant is classified as uncertain significanceaccording to the recommendation of ACMG/AMP guideline.

NM_007315.4(STAT1):c.536_538del (p.Asn179del)

Gene: STAT1 (signal transducer and activator of transcription 1; minus strand). Cytogenetic location: 2q32.2.
Variant type: Deletion.
Coding change: c.536_538del on transcript NM_007315.4 (MANE Select); coding-DNA positions 536 to 538, 3 bases deleted (ACA; older notation c.536_538delACA).
Protein change: p.Asn179del; deletes asparagine 179.
Molecular consequence: inframe deletion.
Genome position (GRCh38, 1-based): chr2:190,999,629-190,999,631, TGT deleted on the plus strand (ACA on the coding strand, the reverse complement: STAT1 is on the minus strand); deleting any 3 consecutive bases within chr2:190,999,629-190,999,632 gives the same sequence; the c. name uses the placement nearest the transcript's 3' end. VCF-style (leftmost placement, unchanged base first): chr2-190999628-CTGT-C. GRCh37 (hg19) VCF-style: chr2-191864354-CTGT-C.
Other names: c.536_538del, p.Asn179del (NM_001384888.1, NM_001384889.1, NM_001384880.1 and 5 more transcripts); c.542_544del, p.Asn181del (NM_001384881.1, NM_001384884.1); c.529_531del, p.Thr177del (NM_001384883.1); c.446_448del, p.Asn149del (NM_001384890.1); c.572_574del, p.Asn191del (NM_001384891.1); short protein forms N149del, N179del, N181del, N191del, T177del.
Identifiers: ClinVar variation 1687428 (VCV001687428.1), dbSNP rs2125074976, ClinGen allele CA2573134273.